The following is an entry in ClinVar:

NM_000170.3(GLDC):c.1820G>C (p.Gly607Ala)

Gene: GLDC (glycine decarboxylase; minus strand). Cytogenetic location: 9p24.1.
Variant type: single nucleotide variant.
Coding change: c.1820G>C on transcript NM_000170.3 (MANE Select); coding-DNA position 1820, G replaced by C.
Protein change: p.Gly607Ala; replaces glycine 607 with alanine.
Molecular consequence: missense variant.
Genome position (GRCh38, 1-based): chr9:6,587,171, C>G on the plus strand (G>C on the coding strand, the complement: GLDC is on the minus strand). VCF-style: chr9-6587171-C-G. GRCh37 (hg19) VCF-style: chr9-6587171-C-G.
Other names: short protein forms G607A.
Identifiers: ClinVar variation 963491 (VCV000963491.10), dbSNP rs1818288295, ClinGen allele CA372891282.

ClinVar aggregate classification (germline): Uncertain significance (1 of 4 stars; one submission).

Conditions:
Glycine encephalopathy. Also called: Nonketotic hyperglycinemia; Non-ketotic hyperglycinemia. Identifiers: Orphanet 407, MedGen C0751748, MONDO:0011612, HP:0008288.

Submission:

Labcorp Genetics (formerly Invitae), Labcorp
Classification: Uncertain significance for Glycine encephalopathy. Last evaluated: 2019-08-13. Review status: criteria provided, single submitter. Criteria: Invitae Variant Classification Sherloc (09022015). Collection method: clinical testing. Allele origin: germline.
Comment: This sequence change replaces glycine with alanine at codon 607 of the GLDC protein (p.Gly607Ala). The glycine residue is highly conserved and there is a small physicochemical difference between glycine and alanine. This variant is not present in population databases (ExAC no frequency). In summary, the available evidence is currently insufficient to determine the role of this variant in disease. Therefore, it has been classified as a Variant of Uncertain Significance. This variant disrupts the p.Gly607 amino acid residue in GLDC. Other variant(s) that disrupt this residue have been determined to be pathogenic (PMID: 26179960, 27896094). This suggests that this residue is clinically significant, and that variants that disrupt this residue are likely to be disease-causing. Algorithms developed to predict the effect of missense changes on protein structure and function (SIFT, PolyPhen-2, Align-GVGD) all suggest that this variant is likely to be disruptive, but these predictions have not been confirmed by published functional studies and their clinical significance is uncertain. This variant has not been reported in the literature in individuals with GLDC-related conditions.

Literature cited by the submitters: PubMed 26179960; PubMed 27896094.